The following is an entry in ClinVar:

NM_000038.6(APC):c.258dup (p.Leu87fs)

Gene: APC (APC regulator of Wnt signaling pathway; plus strand). Cytogenetic location: 5q22.2.
Variant type: Duplication.
Coding change: c.258dup on transcript NM_000038.6 (MANE Select); coding-DNA position 258, one base duplicated (A; older notation c.258dupA).
Protein change: p.Leu87fs; shifts the reading frame from leucine 87.
Molecular consequence: frameshift variant. On other transcripts: 5 prime UTR variant (1).
Genome position (GRCh38, 1-based): chr5:112,767,226, A duplicated; the last of 4 consecutive A bases (chr5:112,767,223-112,767,226); duplicating any one gives the same sequence. VCF-style (leftmost placement, unchanged base first): chr5-112767222-T-TA. GRCh37 (hg19) VCF-style: chr5-112102919-T-TA.
Other names: c.258dup, p.Leu87fs (NM_001127510.3, NM_001354895.2, NM_001354896.2 and 2 more transcripts); c.288dup, p.Leu97fs (NM_001127511.3, NM_001354897.2, NM_001354902.2); c.183dup, p.Leu62fs (NM_001354898.2, NM_001354904.2); c.81dup, p.Leu28fs (NM_001354900.2, NM_001354901.2, NM_001354905.2); c.-778dup (NM_001354906.2); c.258dupA (NM_000038.5); short protein forms L97fs, L62fs, L87fs, L28fs.
Identifiers: ClinVar variation 428095 (VCV000428095.7), dbSNP rs1114167546, ClinGen allele CA645369344.

ClinVar aggregate classification (germline): Pathogenic. Review status: criteria provided, multiple submitters, no conflicts (2 of 4 stars). 2 submissions from 2 submitters: Pathogenic (2). Last evaluated 2023-04-25.

Conditions:
Hereditary cancer-predisposing syndrome. Also called: Hereditary Cancer Syndrome; Neoplastic Syndromes, Hereditary; Hereditary neoplastic syndrome; Tumor predisposition. Identifiers: Orphanet 140162, MedGen C0027672, MeSH D009386, MONDO:0015356.
Familial adenomatous polyposis 1 (FAP1). Also called: FAMILIAL ADENOMATOUS POLYPOSIS 1, ATTENUATED; POLYPOSIS, ADENOMATOUS INTESTINAL. Identifiers: MedGen C2713442, MONDO:0021056, OMIM 175100. Disease mechanism: loss of function.

Submissions (2):

Myriad Genetics, Inc.
Classification: Pathogenic for Familial adenomatous polyposis 1. Last evaluated: 2023-04-25. Review status: criteria provided, single submitter. Criteria: Myriad Autosomal Dominant, Autosomal Recessive and X-Linked Classification Criteria (2023). Collection method: clinical testing. Allele origin: unknown.
Comment: This variant is considered pathogenic. This variant creates a frameshift predicted to result in premature protein truncation.

Ambry Genetics
Classification: Pathogenic for Hereditary cancer-predisposing syndrome. Last evaluated: 2018-12-07. Review status: criteria provided, single submitter. Criteria: Ambry Variant Classification Scheme 2023. Collection method: clinical testing. Allele origin: germline.
Comment: The c.258dupA pathogenic mutation, located in coding exon 3 of the APC gene, results from a duplication of A at nucleotide position 258, causing a translational frameshift with a predicted alternate stop codon (p.L87Tfs*52). This alteration is expected to result in loss of function by premature protein truncation or nonsense-mediated mRNA decay. As such, this alteration is interpreted as a disease-causing mutation.